The following is an entry in ClinVar:

ClinVar aggregate classification (germline): Uncertain significance. Review status: criteria provided, multiple submitters, no conflicts (2 of 4 stars). 2 submissions from 2 submitters: Uncertain significance (2). Last evaluated 2025-02-28.

Conditions:
Hereditary cancer-predisposing syndrome. Also called: Neoplastic Syndromes, Hereditary; Tumor predisposition; Hereditary Cancer Syndrome; Hereditary neoplastic syndrome. Identifiers: Orphanet 140162, MedGen C0027672, MeSH D009386, MONDO:0015356.
Polyps, multiple and recurrent inflammatory fibroid, gastrointestinal. Identifiers: MedGen C5193005, MONDO:0008285, OMIM 175510.

Allele frequency attached by ClinVar (database versions not stated): gnomAD exomes below 0.00001.
gnomAD v4.1: 1 of 1,613,882 alleles (0.000062%); highest among the groups gnomAD compares: Non-Finnish European, 0.000085%; no homozygotes.

Submissions (2):

Ambry Genetics
Classification: Uncertain significance for Hereditary cancer-predisposing syndrome. Last evaluated: 2025-02-28. Review status: criteria provided, single submitter. Criteria: Ambry Variant Classification Scheme 2023. Collection method: clinical testing. Allele origin: germline.
Comment: The p.A530V variant (also known as c.1589C>T), located in coding exon 10 of the PDGFRA gene, results from a C to T substitution at nucleotide position 1589. The alanine at codon 530 is replaced by valine, an amino acid with similar properties. This amino acid position is conserved. In addition, the in silico prediction for this alteration is inconclusive. Based on the available evidence, the clinical significance of this variant remains unclear.

Baylor Genetics
Classification: Uncertain significance for Polyps, multiple and recurrent inflammatory fibroid, gastrointestinal. Last evaluated: 2023-06-16. Review status: criteria provided, single submitter. Criteria: ACMG Guidelines, 2015. Collection method: clinical testing. Allele origin: unknown.

NM_006206.6(PDGFRA):c.1589C>T (p.Ala530Val)

Gene: PDGFRA (platelet derived growth factor receptor alpha; plus strand). Cytogenetic location: 4q12.
Variant type: single nucleotide variant.
Coding change: c.1589C>T on transcript NM_006206.6 (MANE Select); coding-DNA position 1589, C replaced by T.
Protein change: p.Ala530Val; replaces alanine 530 with valine.
Molecular consequence: missense variant.
Genome position (GRCh38, 1-based): chr4:54,274,561, C>T. VCF-style: chr4-54274561-C-T. GRCh37 (hg19) VCF-style: chr4-55140728-C-T.
Other names: c.1589C>T, p.Ala530Val (NM_001347827.2, NM_001347829.2); c.1664C>T, p.Ala555Val (NM_001347828.2); c.1628C>T, p.Ala543Val (NM_001347830.2); short protein forms A530V, A543V, A555V.
Identifiers: ClinVar variation 2677589 (VCV002677589.2), dbSNP rs2110296370, ClinGen allele CA356892880.